The following is an entry in ClinVar:

ClinVar aggregate classification (germline): Uncertain significance (1 of 4 stars; one submission).

Conditions:
Cardiomyopathy (CMYO). Also called: Cardiomyopathies. Identifiers: Orphanet 167848, MedGen C0878544, MONDO:0004994, HP:0001638. Inheritance: Various modes of inheritance.

Submission:

All of Us Research Program, National Institutes of Health
Classification: Uncertain significance for Cardiomyopathy. Last evaluated: 2023-04-10. Review status: criteria provided, single submitter. Criteria: ACMG Guidelines, 2015. Collection method: clinical testing. Allele origin: germline. Inheritance: Autosomal dominant inheritance. Observed: 1 variant allele, 1 heterozygote.
Comment: This variant causes a deletion of four nucleotides in intron 12 of the TNNT2 gene. Splice site prediction tools are inconclusive regarding the impact of this variant on RNA splicing. To our knowledge, functional studies have not been reported for this variant. This variant has not been reported in individuals affected with TNNT2-related disorders in the literature. This variant has not been identified in the general population by the Genome Aggregation Database (gnomAD). The available evidence is insufficient to determine the role of this variant in disease conclusively. Therefore, this variant is classified as a Variant of Uncertain Significance.

This study involves interpretation of variants in research participants for the purpose of population health screening. Participant phenotype was not available at the time of variant classification. Additional details can be found in publication PMID: 35346344, PMCID: PMC8962531

NM_001276345.2(TNNT2):c.609+3_609+6del

Gene: TNNT2 (troponin T2, cardiac type; minus strand). Cytogenetic location: 1q32.1.
Variant type: Deletion.
Coding change: c.609+3_609+6del on transcript NM_001276345.2 (MANE Select); bases 3 to 6 of the intron after coding-DNA position 609, 4 bases deleted (GGGT; older notation c.609+3_609+6delGGGT).
Molecular consequence: splice donor variant. On other transcripts: intron variant (6).
Genome position (GRCh38, 1-based): chr1:201,362,380-201,362,383, ACCC deleted on the plus strand (GGGT on the coding strand, the reverse complement: TNNT2 is on the minus strand); deleting any 4 consecutive bases within chr1:201,362,380-201,362,386 gives the same sequence; the c. name uses the placement nearest the transcript's 3' end. VCF-style (leftmost placement, unchanged base first): chr1-201362379-TACCC-T. GRCh37 (hg19) VCF-style: chr1-201331507-TACCC-T.
Other names: c.571-361_571-358del (NM_001406727.1, NM_001001431.3, NM_001406726.1); c.579+3_579+6del (NM_001406724.1, NM_001001430.3, NM_001276347.2); c.561+3_561+6del (NM_001001432.3); c.564+3_564+6del (NM_001406728.1); c.576+3_576+6del (NM_001406725.1); c.481-361_481-358del (NM_001276346.2); c.601-361_601-358del (NM_000364.4, NM_001406723.1).
Identifiers: ClinVar variation 3070402 (VCV003070402.1), dbSNP rs2526953488, ClinGen allele CA2649787297.